The following is an entry in ClinVar:

NM_013275.6(ANKRD11):c.5424G>C (p.Lys1808Asn)

Gene: ANKRD11 (ankyrin repeat domain 11; minus strand). Cytogenetic location: 16q24.3.
Variant type: single nucleotide variant.
Coding change: c.5424G>C on transcript NM_013275.6 (MANE Select); coding-DNA position 5424, G replaced by C.
Protein change: p.Lys1808Asn; replaces lysine 1808 with asparagine.
Molecular consequence: missense variant.
Genome position (GRCh38, 1-based): chr16:89,281,118, C>G on the plus strand (G>C on the coding strand, the complement: ANKRD11 is on the minus strand). VCF-style: chr16-89281118-C-G. GRCh37 (hg19) VCF-style: chr16-89347526-C-G.
Other names: c.5424G>C, p.Lys1808Asn (NM_001256182.2, NM_001256183.2); short protein forms K1808N.
Identifiers: ClinVar variation 2751790 (VCV002751790.3), dbSNP rs2034197079, ClinGen allele CA397154284.

ClinVar aggregate classification (germline): Uncertain significance (1 of 4 stars; one submission).

Conditions:
KBG syndrome (KBGS). Also called: ANKRD11-Related KBG Syndrome. Identifiers: Orphanet 2332, MedGen C0220687, MONDO:0007846, OMIM 148050.

Submission:

Labcorp Genetics (formerly Invitae), Labcorp
Classification: Uncertain significance for KBG syndrome. Last evaluated: 2023-08-10. Review status: criteria provided, single submitter. Criteria: Invitae Variant Classification Sherloc (09022015). Collection method: clinical testing. Allele origin: germline.
Comment: This sequence change replaces lysine, which is basic and polar, with asparagine, which is neutral and polar, at codon 1808 of the ANKRD11 protein (p.Lys1808Asn). This variant is not present in population databases (gnomAD no frequency). This variant has not been reported in the literature in individuals affected with ANKRD11-related conditions. Advanced modeling of protein sequence and biophysical properties (such as structural, functional, and spatial information, amino acid conservation, physicochemical variation, residue mobility, and thermodynamic stability) performed at Invitae indicates that this missense variant is not expected to disrupt ANKRD11 protein function. In summary, the available evidence is currently insufficient to determine the role of this variant in disease. Therefore, it has been classified as a Variant of Uncertain Significance.